The following is an entry in ClinVar:

NM_144499.3(GNAT1):c.442G>T (p.Ala148Ser)

Gene: GNAT1 (G protein subunit alpha transducin 1; plus strand). Cytogenetic location: 3p21.31.
Variant type: single nucleotide variant.
Coding change: c.442G>T on transcript NM_144499.3 (MANE Select); coding-DNA position 442, G replaced by T.
Protein change: p.Ala148Ser; replaces alanine 148 with serine.
Molecular consequence: missense variant.
Genome position (GRCh38, 1-based): chr3:50,193,656, G>T. VCF-style: chr3-50193656-G-T. GRCh37 (hg19) VCF-style: chr3-50231089-G-T.
Other names: c.442G>T, p.Ala148Ser (NM_000172.4); c.442G>T (NM_144499.2); short protein forms A148S.
Identifiers: ClinVar variation 1043259 (VCV001043259.8), dbSNP rs771466852, ClinGen allele CA74601301.
Genomic context (GRCh38, chr3:50,193,656, plus strand): 5'-AAGGACTCCGGTATCCAGGCCTGTTTTGAGCGCGCCTCGGAGTACCAGCTCAACGACTCG[G>T]CGGGCTAGTGAGCGCGCGGGCAGCGCGGGGCGCGGGGCGCGGGGCGCAGGGGGCCCTCCA-3'
Protein context (NP_653082.1, residues 138-158): RASEYQLNDS[Ala148Ser]GYYLSDLERL

ClinVar aggregate classification (germline): Uncertain significance. Review status: criteria provided, multiple submitters, no conflicts (2 of 4 stars). 3 submissions from 3 submitters: Uncertain significance (3). Last evaluated 2024-11-11.

Conditions:
Inborn genetic diseases. Identifiers: MedGen C0950123, MeSH D030342.

Allele frequency attached by ClinVar (database versions not stated): TOPMed 0.00001; gnomAD 0.00003 and 0.00004.
gnomAD v4.1: 13 of 1,611,450 alleles (0.00081%); highest among the groups gnomAD compares: Admixed American, 0.0067%; no homozygotes.

Submissions (3):

Labcorp Genetics (formerly Invitae), Labcorp
Classification: Uncertain significance. Last evaluated: 2024-11-11. Review status: criteria provided, single submitter. Criteria: Invitae Variant Classification Sherloc (09022015). Collection method: clinical testing. Allele origin: germline.
Comment: This sequence change replaces alanine, which is neutral and non-polar, with serine, which is neutral and polar, at codon 148 of the GNAT1 protein (p.Ala148Ser). This variant is present in population databases (no rsID available, gnomAD 0.003%). This variant has not been reported in the literature in individuals affected with GNAT1-related conditions. ClinVar contains an entry for this variant (Variation ID: 1043259). Invitae Evidence Modeling of protein sequence and biophysical properties (such as structural, functional, and spatial information, amino acid conservation, physicochemical variation, residue mobility, and thermodynamic stability) indicates that this missense variant is not expected to disrupt GNAT1 protein function with a negative predictive value of 80%. In summary, the available evidence is currently insufficient to determine the role of this variant in disease. Therefore, it has been classified as a Variant of Uncertain Significance.

Blueprint Genetics
Classification: Uncertain significance. Last evaluated: 2023-01-30. Review status: criteria provided, single submitter. Criteria: ACMG Guidelines, 2015. Collection method: clinical testing. Allele origin: germline.

Ambry Genetics
Classification: Uncertain significance for Inborn genetic diseases. Last evaluated: 2021-09-01. Review status: criteria provided, single submitter. Criteria: Ambry Variant Classification Scheme 2023. Collection method: clinical testing. Allele origin: germline.